The following is an entry in ClinVar:

ClinVar aggregate classification (germline): Pathogenic. Review status: criteria provided, multiple submitters, no conflicts (2 of 4 stars). 3 submissions from 3 submitters: Pathogenic (3). Last evaluated 2026-08-06.

Conditions:
Schimke immuno-osseous dysplasia (SIOD). Also called: Schimke Immunoosseous Dysplasia. Identifiers: Orphanet 1830, MedGen C0877024, MONDO:0009458, OMIM 242900.

Allele frequency attached by ClinVar (database versions not stated): gnomAD exomes below 0.00001.

Submissions (3):

OLLIN Analises Genomicas, OLLIN
Classification: Pathogenic for Schimke immuno-osseous dysplasia. Last evaluated: 2026-08-06. Review status: criteria provided, single submitter. Criteria: ACMG Guidelines 2015 PMID 25741868. Collection method: clinical testing. Allele origin: germline.
Comment: This frameshift variant, located in exon 7 (of 18), has been reported in ClinVar (accession VCV000649815.9), in gnomAD with an allele frequency of 0.00037%, and in the scientific literature, in compound heterozygosity, in individuals with SMARCAL1 related disorders (PMID: 16840568). This variant causes a frameshift and introduces a premature stop codon, which is predicted to result in either a truncated protein or degradation of the mRNA via nonsense-mediated decay (NMD). According to the currently available evidence, this variant has been classified as pathogenic (PVS1, PM2_P, PM3_S).

Natera, Inc.
Classification: Pathogenic for Schimke immuno-osseous dysplasia. Last evaluated: 2024-09-27. Review status: criteria provided, single submitter. Criteria: Natera Variant Classification Schema (03/2026). Collection method: clinical testing. Allele origin: germline.
Comment: The c.1248dupC variant in SMARCAL1 is a frameshift variant predicted to shift the reading frame beginning at codon 417 and leads to a stop codon 11 codons downstream. This variant is expected to result in nonsense mediated decay, truncation, or a dysfunctional protein product. This variant is rare in the general population with a frequency below the threshold expected for the associated phenotype(s). This variant has been observed in one or more individuals affected with the associated recessive disease, as either homozygous or compound heterozygous with a second variant (PMID: 22998683). Given the available evidence, this variant is classified as Pathogenic.

Labcorp Genetics (formerly Invitae), Labcorp
Classification: Pathogenic for Schimke immuno-osseous dysplasia. Last evaluated: 2023-07-22. Review status: criteria provided, single submitter. Criteria: Invitae Variant Classification Sherloc (09022015). Collection method: clinical testing. Allele origin: germline.
Comment: For these reasons, this variant has been classified as Pathogenic. ClinVar contains an entry for this variant (Variation ID: 649815). This variant is also known as 1248_1249insC. This premature translational stop signal has been observed in individual(s) with Schimke immuno-osseous dysplasia (PMID: 16840568). This variant is present in population databases (rs535448005, gnomAD 0.0009%). This sequence change creates a premature translational stop signal (p.Thr417Hisfs*11) in the SMARCAL1 gene. It is expected to result in an absent or disrupted protein product. Loss-of-function variants in SMARCAL1 are known to be pathogenic (PMID: 11799392, 20301550).

Literature cited by the submitters: PubMed 16840568 (cited by OLLIN Analises Genomicas, OLLIN and Labcorp Genetics (formerly Invitae), Labcorp); PubMed 22998683 (cited by Natera, Inc.); PubMed 11799392 (cited by Labcorp Genetics (formerly Invitae), Labcorp); PubMed 20301550 (cited by Labcorp Genetics (formerly Invitae), Labcorp).

NM_014140.4(SMARCAL1):c.1248dup (p.Thr417fs)

Gene: SMARCAL1 (SNF2 related chromatin remodeling annealing helicase 1; plus strand). Cytogenetic location: 2q35.
Variant type: Duplication.
Coding change: c.1248dup on transcript NM_014140.4 (MANE Select); coding-DNA position 1248, one base duplicated (C; older notation c.1248dupC).
Protein change: p.Thr417fs; shifts the reading frame from threonine 417.
Molecular consequence: frameshift variant.
Genome position (GRCh38, 1-based): chr2:216,428,696, C duplicated. VCF-style (leftmost placement, unchanged base first): chr2-216428695-T-TC. GRCh37 (hg19) VCF-style: chr2-217293418-T-TC.
Other names: c.1248dup, p.Thr417fs (NM_001127207.2); c.1248dupC (NM_014140.3); short protein forms T417fs.
Identifiers: ClinVar variation 649815 (VCV000649815.10), dbSNP rs535448005, ClinGen allele CA65592180.